The following is an entry in ClinVar:

NM_004360.5(CDH1):c.120G>C (p.Thr40=)

Gene: CDH1 (cadherin 1; plus strand). Cytogenetic location: 16q22.1.
Variant type: single nucleotide variant.
Coding change: c.120G>C on transcript NM_004360.5 (MANE Select); coding-DNA position 120, G replaced by C.
Protein change: p.Thr40=; no amino-acid change (threonine 40 retained).
Molecular consequence: synonymous variant. On other transcripts: 5 prime UTR variant (2).
Genome position (GRCh38, 1-based): chr16:68,738,368, G>C. VCF-style: chr16-68738368-G-C. GRCh37 (hg19) VCF-style: chr16-68772271-G-C.
Other names: c.120G>C (LRG_301t1); c.120G>C, p.Thr40= (NM_001317184.2); c.-1496G>C (NM_001317185.2); c.-1700G>C (NM_001317186.2).
Identifiers: ClinVar variation 183853 (VCV000183853.6), dbSNP rs786201115, ClinGen allele CA186757.

ClinVar aggregate classification (germline): Benign/Likely benign. Review status: criteria provided, multiple submitters, no conflicts (2 of 4 stars). 2 submissions from 2 submitters: Benign (1); Likely benign (1). Last evaluated 2024-09-11.

Conditions:
Hereditary cancer-predisposing syndrome. Also called: Tumor predisposition; Hereditary Cancer Syndrome; Hereditary neoplastic syndrome; Neoplastic Syndromes, Hereditary. Identifiers: Orphanet 140162, MedGen C0027672, MeSH D009386, MONDO:0015356.
Hereditary diffuse gastric adenocarcinoma (HDGC). Also called: DIFFUSE GASTRIC AND LOBULAR BREAST CANCER SYNDROME. Identifiers: Orphanet 26106, MedGen C1708349, MONDO:0007648, OMIM 137215.

Submissions (2):

Myriad Genetics, Inc.
Classification: Benign for Hereditary diffuse gastric adenocarcinoma. Last evaluated: 2024-09-11. Review status: criteria provided, single submitter. Criteria: Myriad Autosomal Dominant, Autosomal Recessive and X-Linked Classification Criteria (2023). Collection method: clinical testing. Allele origin: unknown.
Comment: This variant is considered benign. This variant is a silent/synonymous amino acid change and it is not expected to impact splicing.

Ambry Genetics
Classification: Likely benign for Hereditary cancer-predisposing syndrome. Last evaluated: 2023-01-19. Review status: criteria provided, single submitter. Criteria: Ambry Variant Classification Scheme 2023. Collection method: clinical testing. Allele origin: germline.